The following is an entry in ClinVar:

ClinVar aggregate classification (germline): Benign/Likely benign. Review status: criteria provided, multiple submitters, no conflicts (2 of 4 stars). 6 submissions from 6 submitters: Benign (4); Likely benign (2). Last evaluated 2026-02-02.

Conditions:
FLNB-Related Spectrum Disorders.

Allele frequency attached by ClinVar (database versions not stated): gnomAD exomes 0.00132 and 0.00049; ExAC 0.00158; gnomAD 0.00490 and 0.00522; ESP Exome Variant Server 0.00492; TOPMed 0.00560; 1000 Genomes Project 0.00579; 1000 Genomes Project 30x 0.00625.
gnomAD v4.1: 1,503 of 1,614,140 alleles (0.093%); highest among the groups gnomAD compares: African/African-American, 1.7%; 8 homozygotes.

Submissions (6):

Labcorp Genetics (formerly Invitae), Labcorp
Classification: Benign. Last evaluated: 2026-02-02. Review status: criteria provided, single submitter. Criteria: Invitae Variant Classification Sherloc (09022015). Collection method: clinical testing. Allele origin: germline.

ARUP Laboratories, Molecular Genetics and Genomics, ARUP Laboratories
Classification: Benign. Last evaluated: 2025-02-11. Review status: criteria provided, single submitter. Criteria: ARUP Molecular Germline Variant Investigation Process 2024. Collection method: clinical testing. Allele origin: germline.

Blueprint Genetics
Classification: Likely benign. Last evaluated: 2024-11-13. Review status: criteria provided, single submitter. Criteria: ACMG Guidelines, 2015. Collection method: clinical testing. Allele origin: germline.

GeneDx
Classification: Benign. Last evaluated: 2019-03-06. Review status: criteria provided, single submitter. Criteria: GeneDx Variant Classification Process June 2021. Collection method: clinical testing. Allele origin: germline. Affected: yes.

Illumina Laboratory Services, Illumina
Classification: Likely benign for FLNB-Related Spectrum Disorders. Last evaluated: 2018-01-13. Review status: criteria provided, single submitter. Criteria: ICSL Variant Classification Criteria 13 December 2019. Collection method: clinical testing. Allele origin: germline.
Comment: This variant was observed in the ICSL laboratory as part of a predisposition screen in an ostensibly healthy population. It had not been previously curated by ICSL or reported in the Human Gene Mutation Database (HGMD: prior to June 1st, 2018), and was therefore a candidate for classification through an automated scoring system. Utilizing variant allele frequency, disease prevalence and penetrance estimates, and inheritance mode, an automated score was calculated to assess if this variant is too frequent to cause the disease. Based on the score and internal cut-off values, a variant classified as likely benign is not then subjected to further curation. The score for this variant resulted in a classification of likely benign for this disease.

PreventionGenetics, part of Exact Sciences
Classification: Benign. Review status: criteria provided, single submitter. Criteria: ACMG Guidelines, 2015. Collection method: clinical testing. Allele origin: germline.

NM_001457.4(FLNB):c.5646G>A (p.Pro1882=)

Gene: FLNB (filamin B; plus strand). Cytogenetic location: 3p14.3.
Variant type: single nucleotide variant.
Coding change: c.5646G>A on transcript NM_001457.4 (MANE Select); coding-DNA position 5646, G replaced by A.
Protein change: p.Pro1882=; no amino-acid change (proline 1882 retained).
Molecular consequence: synonymous variant.
Genome position (GRCh38, 1-based): chr3:58,146,911, G>A. VCF-style: chr3-58146911-G-A. GRCh37 (hg19) VCF-style: chr3-58132638-G-A.
Other names: c.5739G>A, p.Pro1913= (NM_001164317.2); c.5613G>A, p.Pro1871= (NM_001164318.2); c.5574G>A, p.Pro1858= (NM_001164319.2).
Identifiers: ClinVar variation 258115 (VCV000258115.28), dbSNP rs114882667, ClinGen allele CA2469126.